The following is an entry in ClinVar:

ClinVar aggregate classification (germline): Likely benign. Review status: criteria provided, single submitter (1 of 4 stars). 2 submissions from 2 submitters: Likely benign (1). 1 of the submissions does not count toward it. Last evaluated 2024-03-09.

Conditions:
CPS1-related disorder. Also called: CPS1-related condition.
Congenital hyperammonemia, type I. Also called: CPS I DEFICIENCY; Carbamoyl phosphate synthetase 1 deficiency; Hyperammonemia due to carbamoyl phosphate synthetase 1 deficiency; CPS 1 deficiency; Carbamyl phosphate synthetase (CPS) deficiency; Carbamoyl phosphate synthetase I deficiency disease. Identifiers: Orphanet 147, MedGen C4082171, MONDO:0009376, OMIM 237300.

Allele frequency attached by ClinVar (database versions not stated): gnomAD exomes 0.00001.
gnomAD v4.1: 3 of 1,612,454 alleles (0.00019%); highest among the groups gnomAD compares: Non-Finnish European, 0.00025%; no homozygotes.

Submissions (2):

Labcorp Genetics (formerly Invitae), Labcorp
Classification: Likely benign for Congenital hyperammonemia, type I. Last evaluated: 2024-03-09. Review status: criteria provided, single submitter. Criteria: Invitae Variant Classification Sherloc (09022015). Collection method: clinical testing. Allele origin: germline.

PreventionGenetics, part of Exact Sciences
Classification: Likely benign for CPS1-related condition. Last evaluated: 2019-09-05. Review status: no assertion criteria provided. Collection method: clinical testing. Allele origin: germline. Not counted in ClinVar's aggregate classification.
Comment: This variant is classified as likely benign based on ACMG/AMP sequence variant interpretation guidelines (Richards et al. 2015 PMID: 25741868, with internal and published modifications).

NM_001875.5(CPS1):c.1020C>T (p.Ala340=)

Gene: CPS1 (carbamoyl-phosphate synthase 1; plus strand). Cytogenetic location: 2q34.
Variant type: single nucleotide variant.
Coding change: c.1020C>T on transcript NM_001875.5 (MANE Select); coding-DNA position 1020, C replaced by T.
Protein change: p.Ala340=; no amino-acid change (alanine 340 retained).
Molecular consequence: synonymous variant. On other transcripts: non-coding transcript variant (1).
Genome position (GRCh38, 1-based): chr2:210,591,903, C>T. VCF-style: chr2-210591903-C-T. GRCh37 (hg19) VCF-style: chr2-211456627-C-T.
Other names: c.1020C>T, p.Ala340= (NM_001122633.3, NM_001369257.1); c.1053C>T, p.Ala351= (NM_001369256.1); c.1020C>T (NM_001875.4).
Identifiers: ClinVar variation 1603940 (VCV001603940.10), dbSNP rs1398138189, ClinGen allele CA431011551.